The following is an entry in ClinVar:

NM_004463.3(FGD1):c.5A>G (p.His2Arg)

Gene: FGD1 (FYVE, RhoGEF and PH domain containing 1; minus strand). Cytogenetic location: Xp11.22.
Variant type: single nucleotide variant.
Coding change: c.5A>G on transcript NM_004463.3 (MANE Select); coding-DNA position 5, A replaced by G.
Protein change: p.His2Arg; replaces histidine 2 with arginine.
Molecular consequence: missense variant.
Genome position (GRCh38, 1-based): chrX:54,495,428, T>C on the plus strand (A>G on the coding strand, the complement: FGD1 is on the minus strand). VCF-style: chrX-54495428-T-C. GRCh37 (hg19) VCF-style: chrX-54521861-T-C.
Other names: short protein forms H2R.
Identifiers: ClinVar variation 3604535 (VCV003604535.2).

ClinVar aggregate classification (germline): Uncertain significance (1 of 4 stars; one submission).

Submission:

Labcorp Genetics (formerly Invitae), Labcorp
Classification: Uncertain significance. Last evaluated: 2024-07-03. Review status: criteria provided, single submitter. Criteria: Invitae Variant Classification Sherloc (09022015). Collection method: clinical testing. Allele origin: germline.
Comment: This sequence change replaces histidine, which is basic and polar, with arginine, which is basic and polar, at codon 2 of the FGD1 protein (p.His2Arg). This variant is not present in population databases (gnomAD no frequency). This variant has not been reported in the literature in individuals affected with FGD1-related conditions. Advanced modeling of protein sequence and biophysical properties (such as structural, functional, and spatial information, amino acid conservation, physicochemical variation, residue mobility, and thermodynamic stability) performed at Invitae indicates that this missense variant is not expected to disrupt FGD1 protein function with a negative predictive value of 95%. In summary, the available evidence is currently insufficient to determine the role of this variant in disease. Therefore, it has been classified as a Variant of Uncertain Significance.